The following is an entry in ClinVar:

NM_198578.4(LRRK2):c.4980G>C (p.Leu1660Phe)

Gene: LRRK2 (leucine rich repeat kinase 2; plus strand). Cytogenetic location: 12q12.
Variant type: single nucleotide variant.
Coding change: c.4980G>C on transcript NM_198578.4 (MANE Select); coding-DNA position 4980, G replaced by C.
Protein change: p.Leu1660Phe; replaces leucine 1660 with phenylalanine.
Molecular consequence: missense variant.
Genome position (GRCh38, 1-based): chr12:40,320,140, G>C. VCF-style: chr12-40320140-G-C. GRCh37 (hg19) VCF-style: chr12-40713942-G-C.
Other names: short protein forms L1660F.
Identifiers: ClinVar variation 1744533 (VCV001744533.3), dbSNP rs1945355252, ClinGen allele CA384419719.
Genomic context (GRCh38, chr12:40,320,140, plus strand): 5'-ATTTCCAAAGAACTACATGTCACAGTATTTTAAGCTCCTAGAAAAATTCCAGATTGCTTT[G>C]CCAATAGGAGAAGAATATTTGCTGGTTCCAAGCAGGTAAAGAAAACCTTAAAAAATTAAT-3'
Protein context (NP_940980.4, residues 1650-1670): FKLLEKFQIA[Leu1660Phe]PIGEEYLLVP

ClinVar aggregate classification (germline): Uncertain significance. Review status: criteria provided, multiple submitters, no conflicts (2 of 4 stars). 2 submissions from 2 submitters: Uncertain significance (2). Last evaluated 2025-02-14.

Conditions:
Inborn genetic diseases. Identifiers: MedGen C0950123, MeSH D030342.
Autosomal dominant Parkinson disease 8. Also called: Parkinson disease 8, susceptibility to; LRRK2-Related Parkinson Disease; Parkinson disease 8. Identifiers: Orphanet 411602, MedGen C1846862, MONDO:0011764, OMIM 607060.

Allele frequency attached by ClinVar (database versions not stated): TOPMed below 0.00001.
gnomAD v4.1: 3 of 1,612,042 alleles (0.00019%); highest among the groups gnomAD compares: Non-Finnish European, 0.00025%; no homozygotes.

Submissions (2):

Labcorp Genetics (formerly Invitae), Labcorp
Classification: Uncertain significance for Autosomal dominant Parkinson disease 8. Last evaluated: 2025-02-14. Review status: criteria provided, single submitter. Criteria: Invitae Variant Classification Sherloc (09022015). Collection method: clinical testing. Allele origin: germline.
Comment: This sequence change replaces leucine, which is neutral and non-polar, with phenylalanine, which is neutral and non-polar, at codon 1660 of the LRRK2 protein (p.Leu1660Phe). This variant is not present in population databases (gnomAD no frequency). This variant has not been reported in the literature in individuals affected with LRRK2-related conditions. ClinVar contains an entry for this variant (Variation ID: 1744533). Invitae Evidence Modeling of protein sequence and biophysical properties (such as structural, functional, and spatial information, amino acid conservation, physicochemical variation, residue mobility, and thermodynamic stability) has been performed for this missense variant. However, the output from this modeling did not meet the statistical confidence thresholds required to predict the impact of this variant on LRRK2 protein function. In summary, the available evidence is currently insufficient to determine the role of this variant in disease. Therefore, it has been classified as a Variant of Uncertain Significance.

Ambry Genetics
Classification: Uncertain significance for Inborn genetic diseases. Last evaluated: 2021-08-29. Review status: criteria provided, single submitter. Criteria: Ambry Variant Classification Scheme 2023. Collection method: clinical testing. Allele origin: germline.
Comment: The p.L1660F variant (also known as c.4980G>C), located in coding exon 34 of the LRRK2 gene, results from a G to C substitution at nucleotide position 4980. The leucine at codon 1660 is replaced by phenylalanine, an amino acid with highly similar properties. This amino acid position is conserved. In addition, this alteration is predicted to be deleterious by in silico analysis. Since supporting evidence is limited at this time, the clinical significance of this alteration remains unclear.